The following is an entry in ClinVar:

NM_002439.5(MSH3):c.1764-1G>A

Gene: MSH3 (mutS homolog 3; plus strand). Cytogenetic location: 5q14.1.
Variant type: single nucleotide variant.
Coding change: c.1764-1G>A on transcript NM_002439.5 (MANE Select); the canonical splice acceptor site of the intron before coding-DNA position 1764, G replaced by A.
Molecular consequence: splice acceptor variant.
Genome position (GRCh38, 1-based): chr5:80,761,545, G>A. VCF-style: chr5-80761545-G-A. GRCh37 (hg19) VCF-style: chr5-80057364-G-A.
Identifiers: ClinVar variation 662376 (VCV000662376.14), dbSNP rs367544716, ClinGen allele CA3328039.

ClinVar aggregate classification (germline): Pathogenic/Likely pathogenic. Review status: criteria provided, multiple submitters, no conflicts (2 of 4 stars). 4 submissions from 4 submitters: Pathogenic (1); Likely pathogenic (3). Last evaluated 2026-01-17.

Conditions:
Familial adenomatous polyposis 4 (FAP4). Also called: MSH3-related attenuated familial adenomatous polyposis. Identifiers: Orphanet 480536, MedGen C4310719, MONDO:0044300, OMIM 617100.
Hereditary cancer-predisposing syndrome. Also called: Neoplastic Syndromes, Hereditary; Tumor predisposition; Hereditary neoplastic syndrome; Hereditary Cancer Syndrome. Identifiers: Orphanet 140162, MedGen C0027672, MeSH D009386, MONDO:0015356.
Endometrial carcinoma. Also called: Endometrial carcinoma, somatic. Identifiers: MedGen C0476089, MONDO:0002447, OMIM 608089, HP:0012114.

Allele frequency attached by ClinVar (database versions not stated): gnomAD exomes 0.00001 and 0.00002; ExAC 0.00002; gnomAD 0.00003; TOPMed 0.00003; ESP Exome Variant Server 0.00008.
gnomAD v4.1: 45 of 1,613,948 alleles (0.0028%); highest among the groups gnomAD compares: Non-Finnish European, 0.0031%; no homozygotes.

Submissions (4):

Labcorp Genetics (formerly Invitae), Labcorp
Classification: Pathogenic. Last evaluated: 2026-01-17. Review status: criteria provided, single submitter. Criteria: Invitae Variant Classification Sherloc (09022015). Collection method: clinical testing. Allele origin: germline.
Comment: This sequence change affects an acceptor splice site in intron 12 of the MSH3 gene. RNA analysis indicates that disruption of this splice site induces altered splicing and may result in an absent or altered protein product. This variant is present in population databases (rs367544716, gnomAD 0.002%). This variant has not been reported in the literature in individuals affected with MSH3-related conditions. ClinVar contains an entry for this variant (Variation ID: 662376). Studies have shown that disruption of this splice site results in skipping of exon 13, and produces a non-functional protein and/or introduces a premature termination codon (internal data). For these reasons, this variant has been classified as Pathogenic.

Ambry Genetics
Classification: Likely pathogenic for Hereditary cancer-predisposing syndrome. Last evaluated: 2025-03-29. Review status: criteria provided, single submitter. Criteria: Ambry Variant Classification Scheme 2023. Collection method: clinical testing. Allele origin: germline.
Comment: The c.1764-1G>A intronic variant results from a G to A substitution one nucleotide upstream from coding exon 13 of the MSH3 gene. This nucleotide position is highly conserved in available vertebrate species. In silico splice site analysis predicts that this alteration will weaken the native splice acceptor site and will result in the creation or strengthening of a novel splice acceptor site. RNA studies have demonstrated that this alteration results in abnormal splicing in the set of samples tested (Ambry internal data). This variant is considered to be rare based on population cohorts in the Genome Aggregation Database (gnomAD). Alterations that disrupt the canonical splice site are expected to cause aberrant splicing, resulting in an abnormal protein or a transcript that is subject to nonsense-mediated mRNA decay. As such, this alteration is classified as likely pathogenic.

Baylor Genetics
Classification: Likely pathogenic for Endometrial carcinoma. Last evaluated: 2023-09-21. Review status: criteria provided, single submitter. Criteria: ACMG Guidelines, 2015. Collection method: clinical testing. Allele origin: unknown.

Myriad Genetics, Inc.
Classification: Likely pathogenic for Familial adenomatous polyposis 4. Last evaluated: 2023-08-30. Review status: criteria provided, single submitter. Criteria: Myriad Autosomal Dominant, Autosomal Recessive and X-Linked Classification Criteria (2023). Collection method: clinical testing. Allele origin: unknown.
Comment: This variant is considered likely pathogenic. This variant occurs within a consensus splice junction and is predicted to result in abnormal mRNA splicing of either an out-of-frame exon or an in-frame exon necessary for protein stability and/or normal function.